The following is an entry in ClinVar:

NM_005120.3(MED12):c.1053G>T (p.Met351Ile)

Gene: MED12 (mediator complex subunit 12; plus strand). Cytogenetic location: Xq13.1.
Variant type: single nucleotide variant.
Coding change: c.1053G>T on transcript NM_005120.3 (MANE Select); coding-DNA position 1053, G replaced by T.
Protein change: p.Met351Ile; replaces methionine 351 with isoleucine.
Molecular consequence: missense variant.
Genome position (GRCh38, 1-based): chrX:71,121,768, G>T. VCF-style: chrX-71121768-G-T. GRCh37 (hg19) VCF-style: chrX-70341618-G-T.
Other names: short protein forms M351I.
Identifiers: ClinVar variation 1695494 (VCV001695494.6), dbSNP rs2147780368, ClinGen allele CA413505155.

ClinVar aggregate classification (germline): Conflicting classifications of pathogenicity. Review status: criteria provided, conflicting classifications (1 of 4 stars). 3 submissions from 3 submitters: Uncertain significance (2); Likely benign (1). Last evaluated 2025-10-20.

Conditions:
FG syndrome (FGS). Identifiers: MedGen C0220769, MONDO:0002010.
Familial thoracic aortic aneurysm and aortic dissection (TAAD). Also called: Thoracic aortic aneurysms and dissections. Identifiers: Orphanet 91387, MedGen C4707243, MONDO:0019625.

gnomAD v4.1: 4 of 1,211,790 alleles (0.00033%); highest among the groups gnomAD compares: Non-Finnish European, 0.00045%; no homozygotes.

Submissions (3):

Ambry Genetics
Classification: Likely benign for Familial thoracic aortic aneurysm and aortic dissection. Last evaluated: 2025-10-20. Review status: criteria provided, single submitter. Criteria: Ambry Variant Classification Scheme 2023. Collection method: clinical testing. Allele origin: germline.

Labcorp Genetics (formerly Invitae), Labcorp
Classification: Uncertain significance for FG syndrome. Last evaluated: 2025-05-22. Review status: criteria provided, single submitter. Criteria: Invitae Variant Classification Sherloc (09022015). Collection method: clinical testing. Allele origin: germline.
Comment: This sequence change replaces methionine, which is neutral and non-polar, with isoleucine, which is neutral and non-polar, at codon 351 of the MED12 protein (p.Met351Ile). This variant is not present in population databases (gnomAD no frequency). This variant has not been reported in the literature in individuals affected with MED12-related conditions. ClinVar contains an entry for this variant (Variation ID: 1695494). Invitae Evidence Modeling of protein sequence and biophysical properties (such as structural, functional, and spatial information, amino acid conservation, physicochemical variation, residue mobility, and thermodynamic stability) indicates that this missense variant is not expected to disrupt MED12 protein function with a negative predictive value of 95%. In summary, the available evidence is currently insufficient to determine the role of this variant in disease. Therefore, it has been classified as a Variant of Uncertain Significance.

GeneDx
Classification: Uncertain significance. Last evaluated: 2022-01-10. Review status: criteria provided, single submitter. Criteria: GeneDx Variant Classification Process June 2021. Collection method: clinical testing. Allele origin: germline. Affected: yes.
Comment: Has not been previously published as pathogenic or benign to our knowledge; Not observed at significant frequency in large population cohorts (gnomAD); In silico analysis supports that this missense variant does not alter protein structure/function